The following is an entry in ClinVar:

ClinVar aggregate classification (germline): Likely benign (1 of 4 stars; one submission).

Allele frequency attached by ClinVar (database versions not stated): ExAC 0.00002; ESP Exome Variant Server 0.00008.
gnomAD v4.1: 45 of 1,613,652 alleles (0.0028%); highest among the groups gnomAD compares: East Asian, 0.0045%; no homozygotes.

Submission:

CeGaT Center for Human Genetics Tuebingen
Classification: Likely benign. Last evaluated: 2023-01-01. Review status: criteria provided, single submitter. Criteria: CeGaT Center For Human Genetics Tuebingen Variant Classification Criteria Version 2. Collection method: clinical testing. Allele origin: germline. Affected: yes. Observed: 1 variant allele.
Comment: GEMIN4: BP4, BP7

NM_015721.3(GEMIN4):c.663C>T (p.Arg221=)

Gene: GEMIN4 (gem nuclear organelle associated protein 4; minus strand). Cytogenetic location: 17p13.3.
Variant type: single nucleotide variant.
Coding change: c.663C>T on transcript NM_015721.3 (MANE Select); coding-DNA position 663, C replaced by T.
Protein change: p.Arg221=; no amino-acid change (arginine 221 retained).
Molecular consequence: synonymous variant.
Genome position (GRCh38, 1-based): chr17:747,380, G>A on the plus strand (C>T on the coding strand, the complement: GEMIN4 is on the minus strand). VCF-style: chr17-747380-G-A. GRCh37 (hg19) VCF-style: chr17-650620-G-A.
Identifiers: ClinVar variation 2647174 (VCV002647174.24), dbSNP rs376833925, ClinGen allele CA8262843.